The following is an entry in ClinVar:

NM_000264.5(PTCH1):c.*1+1G>A

Gene: PTCH1 (patched 1; minus strand). Cytogenetic location: 9q22.32.
Variant type: single nucleotide variant.
Coding change: c.*1+1G>A on transcript NM_000264.5 (MANE Select); the canonical splice donor site of the intron after 1 bases downstream of the stop codon, G replaced by A.
Molecular consequence: splice donor variant.
Genome position (GRCh38, 1-based): chr9:95,446,910, C>T on the plus strand (G>A on the coding strand, the complement: PTCH1 is on the minus strand). VCF-style: chr9-95446910-C-T. GRCh37 (hg19) VCF-style: chr9-98209192-C-T.
Other names: c.*1+1G>A (NM_001083603.3, NM_001083602.3, NM_001354918.2 and 4 more transcripts).
Identifiers: ClinVar variation 3340364 (VCV003340364.1).

ClinVar aggregate classification (germline): Uncertain significance (1 of 4 stars; one submission).

gnomAD v4.1: 5 of 1,613,900 alleles (0.00031%); highest among the groups gnomAD compares: Non-Finnish European, 0.00042%; no homozygotes.

Submission:

GeneDx
Classification: Uncertain significance. Last evaluated: 2023-09-12. Review status: criteria provided, single submitter. Criteria: GeneDx Variant Classification Process June 2021. Collection method: clinical testing. Allele origin: germline. Affected: yes.
Comment: Canonical splice site variant, located downstream of the final coding exon, predicted to result in an in-frame loss of the adjacent exon in a gene for which loss of function is a known mechanism of disease; Not observed at significant frequency in large population cohorts (gnomAD); Has not been previously published as pathogenic or benign to our knowledge